The following is an entry in ClinVar:

ClinVar aggregate classification (germline): Uncertain significance. Review status: criteria provided, multiple submitters, no conflicts (2 of 4 stars). 6 submissions from 6 submitters: Uncertain significance (6). Last evaluated 2025-09-15.

Conditions:
Familial melanoma. Also called: Hereditary melanoma; Hereditary cutaneous melanoma. Identifiers: Orphanet 618, MedGen C1512419, MONDO:0018961.
Hereditary cancer-predisposing syndrome. Also called: Tumor predisposition; Neoplastic Syndromes, Hereditary; Hereditary neoplastic syndrome; Hereditary Cancer Syndrome. Identifiers: Orphanet 140162, MedGen C0027672, MeSH D009386, MONDO:0015356.

Allele frequency attached by ClinVar (database versions not stated): TOPMed 0.00001; ExAC 0.00002.

Submissions (6):

Women's Health and Genetics/Laboratory Corporation of America, LabCorp
Classification: Uncertain significance. Last evaluated: 2025-09-15. Review status: criteria provided, single submitter. Criteria: LabCorp Variant Classification Summary - May 2015. Collection method: clinical testing. Allele origin: germline.

Ambry Genetics
Classification: Uncertain significance for Hereditary cancer-predisposing syndrome. Last evaluated: 2025-07-17. Review status: criteria provided, single submitter. Criteria: Ambry Variant Classification Scheme 2023. Collection method: clinical testing. Allele origin: germline.
Comment: The p.A13V variant (also known as c.38C>T), located in coding exon 1 of the CDKN2A gene, results from a C to T substitution at nucleotide position 38. The alanine at codon 13 is replaced by valine, an amino acid with similar properties. This amino acid position is well conserved in available vertebrate species. In addition, this alteration is predicted to be tolerated by in silico analysis. Since supporting evidence is limited at this time, the clinical significance of this alteration remains unclear.

Labcorp Genetics (formerly Invitae), Labcorp
Classification: Uncertain significance for Familial melanoma. Last evaluated: 2025-06-23. Review status: criteria provided, single submitter. Criteria: Invitae Variant Classification Sherloc (09022015). Collection method: clinical testing. Allele origin: germline.
Comment: This sequence change replaces alanine, which is neutral and non-polar, with valine, which is neutral and non-polar, at codon 13 of the CDKN2A (p16INK4a) protein (p.Ala13Val). This variant is present in population databases (rs745612549, gnomAD 0.007%). This variant has not been reported in the literature in individuals affected with CDKN2A (p16INK4a)-related conditions. ClinVar contains an entry for this variant (Variation ID: 187508). An algorithm developed to predict the effect of missense changes on protein structure and function (PolyPhen-2) suggests that this variant is likely to be tolerated. In summary, the available evidence is currently insufficient to determine the role of this variant in disease. Therefore, it has been classified as a Variant of Uncertain Significance.

GeneDx
Classification: Uncertain significance. Last evaluated: 2025-01-16. Review status: criteria provided, single submitter. Criteria: GeneDx Variant Classification Process June 2021. Collection method: clinical testing. Allele origin: germline. Affected: yes.
Comment: Not observed at significant frequency in large population cohorts (gnomAD); In silico analysis indicates that this missense variant does not alter protein structure/function; Has not been previously published as pathogenic or benign to our knowledge

Color Diagnostics, LLC DBA Color Health
Classification: Uncertain significance for Hereditary cancer-predisposing syndrome. Last evaluated: 2024-05-31. Review status: criteria provided, single submitter. Criteria: ACMG Guidelines, 2015. Collection method: clinical testing. Allele origin: germline.
Comment: The CDKN2A locus encodes two different gene products, p16INK4a and p14ARF. This missense variant replaces alanine with valine at codon 13 of the CDKN2A (p16INK4A) protein. Computational prediction suggests that this variant may not impact protein structure and function (internally defined REVEL score threshold <= 0.5, PMID: 27666373). To our knowledge, functional studies have not been reported for this variant. This variant has not been reported in individuals affected with CDKN2A-related disorders in the literature. This variant has been identified in 1/234560 chromosomes in the general population by the Genome Aggregation Database (gnomAD). The available evidence is insufficient to determine the role of this variant in disease conclusively. Therefore, this variant is classified as a Variant of Uncertain Significance.

Quest Diagnostics Nichols Institute San Juan Capistrano
Classification: Uncertain significance. Last evaluated: 2019-12-31. Review status: criteria provided, single submitter. Criteria: Quest Diagnostics criteria. Collection method: clinical testing. Allele origin: unknown.

NM_000077.5(CDKN2A):c.38C>T (p.Ala13Val)

Gene: CDKN2A (cyclin dependent kinase inhibitor 2A; minus strand). Cytogenetic location: 9p21.3.
Variant type: single nucleotide variant.
Coding change: c.38C>T on transcript NM_000077.5; coding-DNA position 38, C replaced by T.
Protein change: p.Ala13Val; replaces alanine 13 with valine.
Molecular consequence: missense variant (on NM_000077.6). On other transcripts: intron variant (2).
Genome position (GRCh38, 1-based): chr9:21,974,790, G>A on the plus strand (C>T on the coding strand, the complement: CDKN2A is on the minus strand). VCF-style: chr9-21974790-G-A. GRCh37 (hg19) VCF-style: chr9-21974789-G-A.
Other names: c.38C>T, p.Ala13Val (NM_000077.6, NM_001195132.2, NM_058197.5); c.-3-3582C>T (NM_001363763.2); c.194-3582C>T (NM_058195.4); short protein forms A13V.
Identifiers: ClinVar variation 187508 (VCV000187508.20), dbSNP rs745612549, ClinGen allele CA197827.